The following is an entry in ClinVar:

NC_000002.11:g.(?_212483882)_(212812361_?)dup

Gene: ERBB4 (erb-b2 receptor tyrosine kinase 4; minus strand). Cytogenetic location: 2q34.
Variant type: Duplication.
Identifiers: ClinVar variation 1429496 (VCV001429496.4).

ClinVar aggregate classification (germline): Uncertain significance (1 of 4 stars; one submission).

Submission:

Labcorp Genetics (formerly Invitae), Labcorp
Classification: Uncertain significance. Last evaluated: 2021-06-19. Review status: criteria provided, single submitter. Criteria: Invitae Variant Classification Sherloc (09022015). Collection method: clinical testing. Allele origin: germline.
Comment: In summary, the available evidence is currently insufficient to determine the role of this variant in disease. Therefore, it has been classified as a Variant of Uncertain Significance. Experimental studies and prediction algorithms are not available or were not evaluated, and the functional significance of this variant is currently unknown. This variant has not been reported in the literature in individuals with ERBB4-related conditions. This variant results in a copy number gain of the genomic region encompassing exon(s) 3-19 of the ERBB4 gene. While the exact position of this variant cannot be determined from the data, sub-genic copy number gains are generally in tandem (PMID: 25640679). This variant is predicted to be in-frame, and likely preserves the integrity of the reading frame.

Literature cited by the submitters: PubMed 25640679.